The following is an entry in ClinVar:

NM_001253.4(CDC5L):c.1376A>G (p.Tyr459Cys)

Gene: CDC5L (cell division cycle 5 like; plus strand). Cytogenetic location: 6p21.1.
Variant type: single nucleotide variant.
Coding change: c.1376A>G on transcript NM_001253.4 (MANE Select); coding-DNA position 1376, A replaced by G.
Protein change: p.Tyr459Cys; replaces tyrosine 459 with cysteine.
Molecular consequence: missense variant.
Genome position (GRCh38, 1-based): chr6:44,422,781, A>G. VCF-style: chr6-44422781-A-G. GRCh37 (hg19) VCF-style: chr6-44390518-A-G.
Other names: short protein forms Y459C.
Identifiers: ClinVar variation 3044773 (VCV003044773.2), dbSNP rs11572006, ClinGen allele CA3835436.

ClinVar aggregate classification (germline): Benign (0 of 4 stars; one submission).

Conditions:
CDC5L-related disorder. Also called: CDC5L-related condition.

Allele frequency attached by ClinVar (database versions not stated): gnomAD exomes 0.00032; ExAC 0.00102; gnomAD 0.00323; ESP Exome Variant Server 0.00346; 1000 Genomes Project 0.00359; 1000 Genomes Project 30x 0.00359; TOPMed 0.00372.
gnomAD v4.1: 979 of 1,612,546 alleles (0.061%); highest among the groups gnomAD compares: African/African-American, 1.2%; 5 homozygotes.

Submission:

PreventionGenetics, part of Exact Sciences
Classification: Benign for CDC5L-related condition. Last evaluated: 2019-09-19. Review status: no assertion criteria provided. Collection method: clinical testing. Allele origin: germline.
Comment: This variant is classified as benign based on ACMG/AMP sequence variant interpretation guidelines (Richards et al. 2015 PMID: 25741868, with internal and published modifications).